The following is an entry in ClinVar:

NM_002016.2(FLG):c.8635G>C (p.Glu2879Gln)

Genes: CCDST (cervical cancer associated DHX9 suppressive transcript; plus strand), FLG (filaggrin; minus strand). Cytogenetic location: 1q21.3.
Variant type: single nucleotide variant.
Coding change: c.8635G>C on transcript NM_002016.2 (MANE Select); coding-DNA position 8635, G replaced by C.
Protein change: p.Glu2879Gln; replaces glutamic acid 2879 with glutamine.
Molecular consequence: missense variant.
Genome position (GRCh38, 1-based): chr1:152,306,251, C>G on the plus strand (G>C on the coding strand, the complement: FLG is on the minus strand). VCF-style: chr1-152306251-C-G. GRCh37 (hg19) VCF-style: chr1-152278727-C-G.
Other names: c.8635G>C (NM_002016.1); short protein forms E2879Q.
Identifiers: ClinVar variation 1050515 (VCV001050515.4), dbSNP rs148926091, ClinGen allele CA1104112.

ClinVar aggregate classification (germline): Uncertain significance. Review status: criteria provided, single submitter (1 of 4 stars). 2 submissions from 2 submitters: Uncertain significance (1). 1 of the submissions does not count toward it. Last evaluated 2021-08-13.

Conditions:
Inborn genetic diseases. Identifiers: MedGen C0950123, MeSH D030342.

Allele frequency attached by ClinVar (database versions not stated): gnomAD exomes 0.00036 and 0.00116; ExAC 0.00041; gnomAD 0.00044 and 0.00045; ESP Exome Variant Server 0.00078.
gnomAD v4.1: 1,720 of 1,604,858 alleles (0.11%); highest among the groups gnomAD compares: Non-Finnish European, 0.14%; no homozygotes.

Submissions (2):

Ambry Genetics
Classification: Uncertain significance for Inborn genetic diseases. Last evaluated: 2021-08-13. Review status: criteria provided, single submitter. Criteria: Ambry Variant Classification Scheme 2023. Collection method: clinical testing. Allele origin: germline.

Department of Pathology and Laboratory Medicine, Sinai Health System
Classification: Likely benign. Review status: no assertion criteria provided. Collection method: clinical testing. Allele origin: unknown. Affected: yes. Study: The Canadian Open Genetics Repository (COGR). Not counted in ClinVar's aggregate classification.
Comment: The FLG p.Glu2879Gln variant was not identified in the literature nor was it identified in ClinVar. The variant was identified in dbSNP (ID: rs148926091) and in control databases in 106 of 279446 chromosomes at a frequency of 0.0003793 increasing the likelihood this could be a low frequency benign variant (Genome Aggregation Database March 6, 2019, v2.1.1). The variant was observed in the following populations: European (non-Finnish) in 93 of 129140 chromosomes (freq: 0.00072), African in 10 of 21612 chromosomes (freq: 0.000463), Other in 2 of 7210 chromosomes (freq: 0.000277) and European (Finnish) in 1 of 25122 chromosomes (freq: 0.00004), but was not observed in the Latino, Ashkenazi Jewish, East Asian, or South Asian populations. The p.Glu2879 residue is not conserved in mammals and computational analyses (PolyPhen-2, SIFT, AlignGVGD, BLOSUM, MutationTaster) do not suggest a high likelihood of impact to the protein; however, this information is not predictive enough to rule out pathogenicity. The variant occurs outside of the splicing consensus sequence and in silico or computational prediction software programs (SpliceSiteFinder, MaxEntScan, NNSPLICE, GeneSplicer) do not predict a difference in splicing. In summary, based on the above information the clinical significance of this variant cannot be determined with certainty at this time. This variant is classified as a variant of uncertain significance.